The following is an entry in ClinVar:

NM_002292.4(LAMB2):c.3887C>T (p.Ala1296Val)

Gene: LAMB2 (laminin subunit beta 2; minus strand). Cytogenetic location: 3p21.31.
Variant type: single nucleotide variant.
Coding change: c.3887C>T on transcript NM_002292.4 (MANE Select); coding-DNA position 3887, C replaced by T.
Protein change: p.Ala1296Val; replaces alanine 1296 with valine.
Molecular consequence: missense variant.
Genome position (GRCh38, 1-based): chr3:49,123,542, G>A on the plus strand (C>T on the coding strand, the complement: LAMB2 is on the minus strand). VCF-style: chr3-49123542-G-A. GRCh37 (hg19) VCF-style: chr3-49160975-G-A.
Other names: short protein forms A1296V.
Identifiers: ClinVar variation 1433872 (VCV001433872.6), dbSNP rs1260666701, ClinGen allele CA352699467.

ClinVar aggregate classification (germline): Uncertain significance (1 of 4 stars; one submission).

Conditions:
Pierson syndrome. Also called: MICROCORIA-CONGENITAL NEPHROTIC SYNDROME. Identifiers: Orphanet 2670, MedGen C1836876, MONDO:0012184, OMIM 609049.
LAMB2-related infantile-onset nephrotic syndrome. Also called: NEPHROTIC SYNDROME, TYPE 5, WITHOUT OCULAR ABNORMALITIES; NEPHROTIC SYNDROME, TYPE 5, WITH OCULAR ABNORMALITIES; Nephrotic Syndrome, type 5. Identifiers: Orphanet 306507, MedGen C3280113, MONDO:0013621, OMIM 614199.

Allele frequency attached by ClinVar (database versions not stated): gnomAD exomes below 0.00001; TOPMed below 0.00001.

Submission:

Labcorp Genetics (formerly Invitae), Labcorp
Classification: Uncertain significance for LAMB2-related infantile-onset nephrotic syndrome; Pierson syndrome. Last evaluated: 2021-12-08. Review status: criteria provided, single submitter. Criteria: Invitae Variant Classification Sherloc (09022015). Collection method: clinical testing. Allele origin: germline.
Comment: Algorithms developed to predict the effect of missense changes on protein structure and function (SIFT, PolyPhen-2, Align-GVGD) all suggest that this variant is likely to be tolerated. This sequence change replaces alanine, which is neutral and non-polar, with valine, which is neutral and non-polar, at codon 1296 of the LAMB2 protein (p.Ala1296Val). This variant is present in population databases (no rsID available, gnomAD 0.007%). This variant has not been reported in the literature in individuals affected with LAMB2-related conditions. In summary, the available evidence is currently insufficient to determine the role of this variant in disease. Therefore, it has been classified as a Variant of Uncertain Significance.